The following is an entry in ClinVar:

ClinVar aggregate classification (germline): Benign/Likely benign. Review status: criteria provided, multiple submitters, no conflicts (2 of 4 stars). 3 submissions from 3 submitters: Benign (1); Likely benign (1). 1 of the submissions does not count toward it. Last evaluated 2025-10-01.

Conditions:
EP300-related disorder. Also called: EP300-related disorders; EP300-related condition.
Rubinstein-Taybi syndrome due to EP300 haploinsufficiency. Also called: RUBINSTEIN-TAYBI SYNDROME 2; EP300-Related Rubinstein-Taybi Syndrome. Identifiers: Orphanet 353284, Orphanet 783, MedGen C3150941, MONDO:0013364, OMIM 613684.

Allele frequency attached by ClinVar (database versions not stated): gnomAD 0.00002; TOPMed 0.00003; ExAC 0.00008; gnomAD exomes 0.00008.
gnomAD v4.1: 27 of 1,613,880 alleles (0.0017%); highest among the groups gnomAD compares: Admixed American, 0.03%; no homozygotes.

Submissions (3):

Labcorp Genetics (formerly Invitae), Labcorp
Classification: Likely benign for Rubinstein-Taybi syndrome due to EP300 haploinsufficiency. Last evaluated: 2025-10-01. Review status: criteria provided, single submitter. Criteria: Invitae Variant Classification Sherloc (09022015). Collection method: clinical testing. Allele origin: germline.

GeneDx
Classification: Benign. Last evaluated: 2021-05-03. Review status: criteria provided, single submitter. Criteria: GeneDx Variant Classification Process June 2021. Collection method: clinical testing. Allele origin: germline. Affected: yes.

PreventionGenetics, part of Exact Sciences
Classification: Likely benign for EP300-related condition. Last evaluated: 2021-06-24. Review status: no assertion criteria provided. Collection method: clinical testing. Allele origin: germline. Not counted in ClinVar's aggregate classification.
Comment: This variant is classified as likely benign based on ACMG/AMP sequence variant interpretation guidelines (Richards et al. 2015 PMID: 25741868, with internal and published modifications).

NM_001429.4(EP300):c.907-10T>C

Gene: EP300 (EP300 lysine acetyltransferase; plus strand). Cytogenetic location: 22q13.2.
Variant type: single nucleotide variant.
Coding change: c.907-10T>C on transcript NM_001429.4 (MANE Select); 10 bases into the intron before coding-DNA position 907, T replaced by C.
Molecular consequence: intron variant.
Genome position (GRCh38, 1-based): chr22:41,127,477, T>C. VCF-style: chr22-41127477-T-C. GRCh37 (hg19) VCF-style: chr22-41523481-T-C.
Other names: c.907-10T>C (NM_001362843.2).
Identifiers: ClinVar variation 774371 (VCV000774371.14), dbSNP rs772628747, ClinGen allele CA10252405.
Genomic context (GRCh38, chr22:41,127,477, plus strand): 5'-CCACATCTCTATTTATTAAGAAATAGCACATTATGACTCCTACCATTAAATATATTGTTA[T>C]ATCTCTCAGGGTCAACAGCCAGCCCCGCAGGTCCAGCAGCCAGGCCTGGTGACTCCAGTT-3'